The following is an entry in ClinVar:

ClinVar aggregate classification (germline): Uncertain significance (1 of 4 stars; one submission).

Conditions:
Hereditary cancer-predisposing syndrome. Also called: Tumor predisposition; Neoplastic Syndromes, Hereditary; Hereditary Cancer Syndrome; Hereditary neoplastic syndrome. Identifiers: Orphanet 140162, MedGen C0027672, MeSH D009386, MONDO:0015356.

Submission:

Ambry Genetics
Classification: Uncertain significance for Hereditary cancer-predisposing syndrome. Last evaluated: 2025-02-03. Review status: criteria provided, single submitter. Criteria: Ambry Variant Classification Scheme 2023. Collection method: clinical testing. Allele origin: germline.
Comment: The p.K1551N variant (also known as c.4653A>C), located in coding exon 15 of the APC gene, results from an A to C substitution at nucleotide position 4653. The lysine at codon 1551 is replaced by asparagine, an amino acid with similar properties. This amino acid position is conserved. In addition, in silico predictors for this gene do not accurately predict pathogenicity. Based on the available evidence, the clinical significance of this variant remains unclear.

NM_000038.6(APC):c.4653A>C (p.Lys1551Asn)

Gene: APC (APC regulator of Wnt signaling pathway; plus strand). Cytogenetic location: 5q22.2.
Variant type: single nucleotide variant.
Coding change: c.4653A>C on transcript NM_000038.6 (MANE Select); coding-DNA position 4653, A replaced by C.
Protein change: p.Lys1551Asn; replaces lysine 1551 with asparagine.
Molecular consequence: missense variant. On other transcripts: non-coding transcript variant (2).
Genome position (GRCh38, 1-based): chr5:112,840,247, A>C. VCF-style: chr5-112840247-A-C. GRCh37 (hg19) VCF-style: chr5-112175944-A-C.
Other names: c.4653A>C, p.Lys1551Asn (NM_001127510.3, NM_001354895.2, NM_001407450.1); c.4599A>C, p.Lys1533Asn (NM_001127511.3); c.4707A>C, p.Lys1569Asn (NM_001354896.2, NM_001407447.1, NM_001407448.1 and 1 more transcripts); c.4683A>C, p.Lys1561Asn (NM_001354897.2); c.4578A>C, p.Lys1526Asn (NM_001354898.2); c.4569A>C, p.Lys1523Asn (NM_001354899.2); c.4530A>C, p.Lys1510Asn (NM_001354900.2); c.4476A>C, p.Lys1492Asn (NM_001354901.2, NM_001407453.1); and 11 more; short protein forms K1460N, K1544N, K1268N, K1425N, K1526N, K1533N, K1541N, K1551N.
Identifiers: ClinVar variation 3882219 (VCV003882219.1).